The following is an entry in ClinVar:

ClinVar aggregate classification (germline): Uncertain significance. Review status: criteria provided, multiple submitters, no conflicts (2 of 4 stars). 2 submissions from 2 submitters: Uncertain significance (2). Last evaluated 2025-09-29.

Conditions:
Dilated cardiomyopathy 1D. Identifiers: Orphanet 154, Orphanet 54260, MedGen C1832243, MONDO:0011095, OMIM 601494.
Hypertrophic cardiomyopathy 2. Also called: TNNT2-Related Familial Hypertrophic Cardiomyopathy. Identifiers: MedGen C1861864, MONDO:0007266, OMIM 115195.
Cardiomyopathy, familial restrictive, 3. Identifiers: Orphanet 75249, MedGen C2676271, MONDO:0012900, OMIM 612422.
Cardiomyopathy (CMYO). Also called: Cardiomyopathies. Identifiers: Orphanet 167848, MedGen C0878544, MONDO:0004994, HP:0001638. Inheritance: Various modes of inheritance.

gnomAD v4.1: 1 of 1,614,178 alleles (0.000062%); no homozygotes.

Submissions (2):

Color Diagnostics, LLC DBA Color Health
Classification: Uncertain significance for Cardiomyopathy. Last evaluated: 2025-09-29. Review status: criteria provided, single submitter. Criteria: ACMG Guidelines, 2015. Collection method: clinical testing. Allele origin: germline.
Comment: This missense variant replaces alanine with valine at codon 213 of the TNNT2 protein. Computational prediction is inconclusive regarding the impact of this variant on protein structure and function. To our knowledge, functional studies have not been reported for this variant. This variant has not been reported in individuals affected with TNNT2-related disorders in the literature. This variant has been identified in 1/1461886 chromosomes in the general population by the Genome Aggregation Database (gnomAD). The available evidence is insufficient to determine the role of this variant in disease conclusively. Therefore, this variant is classified as a Variant of Uncertain Significance.

Labcorp Genetics (formerly Invitae), Labcorp
Classification: Uncertain significance for Cardiomyopathy, familial restrictive, 3; Hypertrophic cardiomyopathy 2; Dilated cardiomyopathy 1D. Last evaluated: 2023-06-02. Review status: criteria provided, single submitter. Criteria: Invitae Variant Classification Sherloc (09022015). Collection method: clinical testing. Allele origin: germline.
Comment: This sequence change replaces alanine, which is neutral and non-polar, with valine, which is neutral and non-polar, at codon 213 of the TNNT2 protein (p.Ala213Val). This variant is not present in population databases (gnomAD no frequency). This variant has not been reported in the literature in individuals affected with TNNT2-related conditions. Advanced modeling of protein sequence and biophysical properties (such as structural, functional, and spatial information, amino acid conservation, physicochemical variation, residue mobility, and thermodynamic stability) performed at Invitae indicates that this missense variant is expected to disrupt TNNT2 protein function. In summary, the available evidence is currently insufficient to determine the role of this variant in disease. Therefore, it has been classified as a Variant of Uncertain Significance.

NM_001276345.2(TNNT2):c.668C>T (p.Ala223Val)

Gene: TNNT2 (troponin T2, cardiac type; minus strand). Cytogenetic location: 1q32.1.
Variant type: single nucleotide variant.
Coding change: c.668C>T on transcript NM_001276345.2 (MANE Select); coding-DNA position 668, C replaced by T.
Protein change: p.Ala223Val; replaces alanine 223 with valine.
Molecular consequence: missense variant.
Genome position (GRCh38, 1-based): chr1:201,361,964, G>A on the plus strand (C>T on the coding strand, the complement: TNNT2 is on the minus strand). VCF-style: chr1-201361964-G-A. GRCh37 (hg19) VCF-style: chr1-201331092-G-A.
Other names: c.659C>T, p.Ala220Val (NM_000364.4, NM_001406723.1); c.638C>T, p.Ala213Val (NM_001001430.3, NM_001276347.2, NM_001406724.1); c.629C>T, p.Ala210Val (NM_001001431.3, NM_001406726.1, NM_001406727.1); c.620C>T, p.Ala207Val (NM_001001432.3); c.539C>T, p.Ala180Val (NM_001276346.2); c.635C>T, p.Ala212Val (NM_001406725.1); c.623C>T, p.Ala208Val (NM_001406728.1); short protein forms A207V, A210V, A223V, A212V, A180V, A208V, A213V, A220V.
Identifiers: ClinVar variation 2939767 (VCV002939767.4), dbSNP rs2526941415, ClinGen allele CA344203707.
Genomic context (GRCh38, chr1:201,361,964, plus strand): 5'-AGCCCCCACCTCAGCTGATCTTCATTCAGGTGGTCAATGGCCAGCACCTTCCTCCTCTCA[G>A]CCAGAATCTTCTTCTTCTTTTCCCGCTCAGTCTGCCTCTTCCCACTTTTCCGCTCTGTCT-3'
Protein context (NP_001263274.1, residues 213-233): TEREKKKKIL[Ala223Val]ERRKVLAIDH